The following is an entry in ClinVar:

ClinVar aggregate classification (germline): Uncertain significance. Review status: criteria provided, multiple submitters, no conflicts (2 of 4 stars). 2 submissions from 2 submitters: Uncertain significance (2). Last evaluated 2022-02-12.

gnomAD v4.1: 2 of 1,614,118 alleles (0.00012%); highest among the groups gnomAD compares: Non-Finnish European, 0.00017%; no homozygotes.

Submissions (2):

Labcorp Genetics (formerly Invitae), Labcorp
Classification: Uncertain significance. Last evaluated: 2022-02-12. Review status: criteria provided, single submitter. Criteria: Invitae Variant Classification Sherloc (09022015). Collection method: clinical testing. Allele origin: germline.
Comment: This variant has not been reported in the literature in individuals affected with CACNA1D-related conditions. This variant is present in population databases (no rsID available, gnomAD 0.0009%). This sequence change replaces proline, which is neutral and non-polar, with alanine, which is neutral and non-polar, at codon 741 of the CACNA1D protein (p.Pro741Ala). In summary, the available evidence is currently insufficient to determine the role of this variant in disease. Therefore, it has been classified as a Variant of Uncertain Significance. Algorithms developed to predict the effect of missense changes on protein structure and function are either unavailable or do not agree on the potential impact of this missense change (SIFT: "Tolerated"; PolyPhen-2: "Probably Damaging"; Align-GVGD: "Class C0").

Blueprint Genetics
Classification: Uncertain significance. Last evaluated: 2022-01-04. Review status: criteria provided, single submitter. Criteria: ACMG Guidelines, 2015. Collection method: clinical testing. Allele origin: germline.

NM_001128840.3(CACNA1D):c.2161C>G (p.Pro721Ala)

Gene: CACNA1D (calcium voltage-gated channel subunit alpha1 D; plus strand). Cytogenetic location: 3p21.1.
Variant type: single nucleotide variant.
Coding change: c.2161C>G on transcript NM_001128840.3 (MANE Select); coding-DNA position 2161, C replaced by G.
Protein change: p.Pro721Ala; replaces proline 721 with alanine.
Molecular consequence: missense variant.
Genome position (GRCh38, 1-based): chr3:53,726,939, C>G. VCF-style: chr3-53726939-C-G. GRCh37 (hg19) VCF-style: chr3-53760966-C-G.
Other names: c.2221C>G, p.Pro741Ala (NM_000720.4); c.2161C>G, p.Pro721Ala (NM_001128839.3); short protein forms P741A, P721A.
Identifiers: ClinVar variation 1956992 (VCV001956992.6), dbSNP rs1261076203, ClinGen allele CA353239003.